The following is an entry in ClinVar:

NM_182961.4(SYNE1):c.8861C>T (p.Ser2954Leu)

Genes: SYNE1 (spectrin repeat containing nuclear envelope protein 1; minus strand), SYNE1-AS1 (SYNE1 antisense RNA 1; plus strand). Cytogenetic location: 6q25.2.
Variant type: single nucleotide variant.
Coding change: c.8861C>T on transcript NM_182961.4 (MANE Select); coding-DNA position 8861, C replaced by T.
Protein change: p.Ser2954Leu; replaces serine 2954 with leucine.
Molecular consequence: missense variant. On other transcripts: non-coding transcript variant (1).
Genome position (GRCh38, 1-based): chr6:152,381,154, G>A on the plus strand (C>T on the coding strand, the complement: SYNE1 is on the minus strand). VCF-style: chr6-152381154-G-A. GRCh37 (hg19) VCF-style: chr6-152702289-G-A.
Other names: c.8882C>T, p.Ser2961Leu (NM_033071.5); short protein forms S2954L, S2961L.
Identifiers: ClinVar variation 501304 (VCV000501304.6), dbSNP rs145819043, ClinGen allele CA150231593.

ClinVar aggregate classification (germline): Uncertain significance. Review status: criteria provided, multiple submitters, no conflicts (2 of 4 stars). 2 submissions from 2 submitters: Uncertain significance (2). Last evaluated 2022-08-23.

Conditions:
Emery-Dreifuss muscular dystrophy 4, autosomal dominant (EDMD4). Also called: EMERY-DREIFUSS MUSCULAR DYSTROPHY 4 WITH VARIABLE FEATURES. Identifiers: Orphanet 261, MedGen C2751807, MONDO:0013071, OMIM 612998.
Autosomal recessive ataxia, Beauce type. Also called: SYNE1 Deficiency; Spinocerebellar ataxia, autosomal recessive 8; ATAXIA, RECESSIVE, OF BEAUCE; SYNE1-Related Autosomal Recessive Cerebellar Ataxia. Identifiers: Orphanet 88644, MedGen C1853116, MONDO:0012549, OMIM 610743.

Allele frequency attached by ClinVar (database versions not stated): gnomAD exomes 0.00001 and 0.00003; gnomAD 0.00002 and 0.00003; TOPMed 0.00006; 1000 Genomes Project 30x 0.00016; 1000 Genomes Project 0.00020.
gnomAD v4.1: 51 of 1,614,150 alleles (0.0032%); highest among the groups gnomAD compares: Middle Eastern, 0.016%; no homozygotes.

Submissions (2):

Labcorp Genetics (formerly Invitae), Labcorp
Classification: Uncertain significance for Emery-Dreifuss muscular dystrophy 4, autosomal dominant; Autosomal recessive ataxia, Beauce type. Last evaluated: 2022-08-23. Review status: criteria provided, single submitter. Criteria: Invitae Variant Classification Sherloc (09022015). Collection method: clinical testing. Allele origin: germline.
Comment: This sequence change replaces serine, which is neutral and polar, with leucine, which is neutral and non-polar, at codon 2961 of the SYNE1 protein (p.Ser2961Leu). This variant is present in population databases (rs145819043, gnomAD 0.004%). This variant has not been reported in the literature in individuals affected with SYNE1-related conditions. ClinVar contains an entry for this variant (Variation ID: 501304). Algorithms developed to predict the effect of missense changes on protein structure and function are either unavailable or do not agree on the potential impact of this missense change (SIFT: "Deleterious"; PolyPhen-2: "Benign"; Align-GVGD: "Class C65"). In summary, the available evidence is currently insufficient to determine the role of this variant in disease. Therefore, it has been classified as a Variant of Uncertain Significance.

Eurofins Ntd Llc (ga)
Classification: Uncertain significance. Last evaluated: 2017-04-13. Review status: criteria provided, single submitter. Criteria: EGL Classification Definitions 2015. Collection method: clinical testing. Allele origin: germline. Observed: 1 variant allele, 1 heterozygote.